The following is an entry in ClinVar:

NM_020937.4(FANCM):c.4817T>G (p.Phe1606Cys)

Gene: FANCM (FA complementation group M; plus strand). Cytogenetic location: 14q21.2.
Variant type: single nucleotide variant.
Coding change: c.4817T>G on transcript NM_020937.4 (MANE Select); coding-DNA position 4817, T replaced by G.
Protein change: p.Phe1606Cys; replaces phenylalanine 1606 with cysteine.
Molecular consequence: missense variant.
Genome position (GRCh38, 1-based): chr14:45,188,839, T>G. VCF-style: chr14-45188839-T-G. GRCh37 (hg19) VCF-style: chr14-45658042-T-G.
Other names: c.4739T>G, p.Phe1580Cys (NM_001308133.2); short protein forms F1580C, F1606C.
Identifiers: ClinVar variation 4841739 (VCV004841739.1).

ClinVar aggregate classification (germline): Uncertain significance (1 of 4 stars; one submission).

Conditions:
Inborn genetic diseases. Identifiers: MedGen C0950123, MeSH D030342.

gnomAD v4.1: 2 of 1,613,406 alleles (0.00012%); highest among the groups gnomAD compares: Admixed American, 0.0033%; no homozygotes.

Submission:

Ambry Genetics
Classification: Uncertain significance for Inborn genetic diseases. Last evaluated: 2025-12-22. Review status: criteria provided, single submitter. Criteria: Ambry Variant Classification Scheme 2023. Collection method: clinical testing. Allele origin: germline.
Comment: The p.F1606C variant (also known as c.4817T>G), located in coding exon 20 of the FANCM gene, results from a T to G substitution at nucleotide position 4817. The phenylalanine at codon 1606 is replaced by cysteine, an amino acid with highly dissimilar properties. This amino acid position is conserved. In addition, the in silico prediction for this alteration is inconclusive. Based on the available evidence, the clinical significance of this variant remains unclear.